The following is an entry in ClinVar:

NM_006767.4(LZTR1):c.406T>C (p.Tyr136His)

Gene: LZTR1 (leucine zipper like post translational regulator 1; plus strand). Cytogenetic location: 22q11.21.
Variant type: single nucleotide variant.
Coding change: c.406T>C on transcript NM_006767.4 (MANE Select); coding-DNA position 406, T replaced by C.
Protein change: p.Tyr136His; replaces tyrosine 136 with histidine.
Molecular consequence: missense variant.
Genome position (GRCh38, 1-based): chr22:20,988,015, T>C. VCF-style: chr22-20988015-T-C. GRCh37 (hg19) VCF-style: chr22-21342304-T-C.
Other names: short protein forms Y136H.
Identifiers: ClinVar variation 636611 (VCV000636611.11), dbSNP rs1601717299, ClinGen allele CA410779592.
Genomic context (GRCh38, chr22:20,988,015, plus strand): 5'-TGAAATCTCCAAGACTGCCCTTTGGGTTTGACAGTTTCTCACTCTCTTTACTCAGGGGGT[T>C]ACACTGGGGACATTTATTCCAATTCTAACTTGAAGAATAAAAACGACCTCTTTGAATACA-3'
Protein context (NP_006758.2, residues 126-146): YGSSMFVFGG[Tyr136His]TGDIYSNSNL

ClinVar aggregate classification (germline): Conflicting classifications of pathogenicity. Review status: criteria provided, conflicting classifications (1 of 4 stars). 3 submissions from 3 submitters: Pathogenic (1); Uncertain significance (2). Last evaluated 2026-05-19.

Conditions:
Cardiovascular phenotype. Identifiers: MedGen CN230736.
Hereditary cancer-predisposing syndrome. Also called: Tumor predisposition; Neoplastic Syndromes, Hereditary; Hereditary Cancer Syndrome; Hereditary neoplastic syndrome. Identifiers: Orphanet 140162, MedGen C0027672, MeSH D009386, MONDO:0015356.

Submissions (3):

Ambry Genetics
Classification: Uncertain significance for Cardiovascular phenotype; Hereditary cancer-predisposing syndrome. Last evaluated: 2026-05-19. Review status: criteria provided, single submitter. Criteria: Ambry Variant Classification Scheme 2023. Collection method: clinical testing. Allele origin: germline.
Comment: The p.Y136H variant (also known as c.406T>C), located in coding exon 5 of the LZTR1 gene, results from a T to C substitution at nucleotide position 406. The tyrosine at codon 136 is replaced by histidine, an amino acid with similar properties. This variant has been identified de novo in a patient with some features suggestive of Noonan syndrome (Pagnamenta AT et al. Clin Genet, 2019 06;95:693-703). This amino acid position is highly conserved in available vertebrate species. In addition, the in silico prediction for this alteration is inconclusive. Since supporting evidence is limited at this time, the clinical significance of this alteration remains unclear.

Labcorp Genetics (formerly Invitae), Labcorp
Classification: Pathogenic. Last evaluated: 2022-09-22. Review status: criteria provided, single submitter. Criteria: Invitae Variant Classification Sherloc (09022015). Collection method: clinical testing. Allele origin: germline.
Comment: ClinVar contains an entry for this variant (Variation ID: 636611). This sequence change replaces tyrosine, which is neutral and polar, with histidine, which is basic and polar, at codon 136 of the LZTR1 protein (p.Tyr136His). This variant is not present in population databases (gnomAD no frequency). This missense change has been observed in individual(s) with autosomal dominant LZTR1-related conditions (PMID: 30859559). In at least one individual the variant was observed to be de novo. Advanced modeling of protein sequence and biophysical properties (such as structural, functional, and spatial information, amino acid conservation, physicochemical variation, residue mobility, and thermodynamic stability) performed at Invitae indicates that this missense variant is not expected to disrupt LZTR1 protein function. This variant disrupts the p.Tyr136 amino acid residue in LZTR1. Other variant(s) that disrupt this residue have been observed in individuals with LZTR1-related conditions (PMID: 30859559), which suggests that this may be a clinically significant amino acid residue. For these reasons, this variant has been classified as Pathogenic.

Blueprint Genetics
Classification: Uncertain significance. Last evaluated: 2018-04-15. Review status: criteria provided, single submitter. Criteria: ACMG Guidelines, 2015. Collection method: clinical testing. Allele origin: germline.

Literature cited by the submitters: PubMed 30859559 (cited by Ambry Genetics and Labcorp Genetics (formerly Invitae), Labcorp); PubMed 35840934 (cited by Ambry Genetics).